The following is an entry in ClinVar:

ClinVar aggregate classification (germline): Uncertain significance (1 of 4 stars; one submission).

Conditions:
Charcot-Marie-Tooth disease type 2. Also called: Charcot-Marie-Tooth type 2. Identifiers: Orphanet 64746, MedGen C0270914, MONDO:0018993.

Allele frequency attached by ClinVar (database versions not stated): TOPMed 0.00001; gnomAD 0.00001.
gnomAD v4.1: 1 of 1,611,986 alleles (0.000062%); highest among the groups gnomAD compares: African/African-American, 0.0013%; no homozygotes.

Submission:

Labcorp Genetics (formerly Invitae), Labcorp
Classification: Uncertain significance for Charcot-Marie-Tooth disease type 2. Last evaluated: 2025-12-08. Review status: criteria provided, single submitter. Criteria: Invitae Variant Classification Sherloc (09022015). Collection method: clinical testing. Allele origin: germline.
Comment: This sequence change replaces glutamine, which is neutral and polar, with lysine, which is basic and polar, at codon 396 of the LMNA protein (p.Gln396Lys). This variant is not present in population databases (gnomAD no frequency). This variant has not been reported in the literature in individuals affected with LMNA-related conditions. ClinVar contains an entry for this variant (Variation ID: 1367928). Invitae Evidence Modeling of protein sequence and biophysical properties (such as structural, functional, and spatial information, amino acid conservation, physicochemical variation, residue mobility, and thermodynamic stability) indicates that this missense variant is expected to disrupt LMNA protein function with a positive predictive value of 95%. In summary, the available evidence is currently insufficient to determine the role of this variant in disease. Therefore, it has been classified as a Variant of Uncertain Significance.

NM_170707.4(LMNA):c.1186C>A (p.Gln396Lys)

Gene: LMNA (lamin A/C; plus strand). Cytogenetic location: 1q22.
Variant type: single nucleotide variant.
Coding change: c.1186C>A on transcript NM_170707.4 (MANE Select); coding-DNA position 1186, C replaced by A.
Protein change: p.Gln396Lys; replaces glutamine 396 with lysine.
Molecular consequence: missense variant.
Genome position (GRCh38, 1-based): chr1:156,136,242, C>A. VCF-style: chr1-156136242-C-A. GRCh37 (hg19) VCF-style: chr1-156106033-C-A.
Other names: c.850C>A, p.Gln284Lys (NM_001257374.3); c.943C>A, p.Gln315Lys (NM_001282624.2); c.1186C>A, p.Gln396Lys (NM_001282625.2, NM_001282626.2, NM_005572.4 and 1 more transcripts); short protein forms Q284K, Q396K, Q315K.
Identifiers: ClinVar variation 1367928 (VCV001367928.8), dbSNP rs1651605822, ClinGen allele CA342820945.
Genomic context (GRCh38, chr1:156,136,242, plus strand): 5'-ACTAGACCCCCACTTGGTCTCCCTCTCCCCAGGCTACGCCTGTCCCCCAGCCCTACCTCG[C>A]AGCGCAGCCGTGGCCGTGCTTCCTCTCACTCATCCCAGACACAGGGTGGGGGCAGCGTCA-3'
Protein context (NP_733821.1, residues 386-406): RLRLSPSPTS[Gln396Lys]RSRGRASSHS